The following is an entry in ClinVar:

ClinVar aggregate classification (germline): Uncertain significance (1 of 4 stars; one submission).

Conditions:
Catecholaminergic polymorphic ventricular tachycardia 1. Also called: RYR2-Related Catecholaminergic Polymorphic Ventricular Tachycardia; VENTRICULAR TACHYCARDIA, CATECHOLAMINERGIC POLYMORPHIC, 1, WITH OR WITHOUT ATRIAL DYSFUNCTION AND/OR DILATED CARDIOMYOPATHY; VENTRICULAR TACHYCARDIA, STRESS-INDUCED POLYMORPHIC 1. Identifiers: Orphanet 3286, MedGen C1631597, MONDO:0011484, OMIM 604772.

Submission:

Labcorp Genetics (formerly Invitae), Labcorp
Classification: Uncertain significance for Catecholaminergic polymorphic ventricular tachycardia 1. Last evaluated: 2023-09-08. Review status: criteria provided, single submitter. Criteria: Invitae Variant Classification Sherloc (09022015). Collection method: clinical testing. Allele origin: unknown.
Comment: In summary, the available evidence is currently insufficient to determine the role of this variant in disease. Therefore, it has been classified as a Variant of Uncertain Significance. This variant has not been reported in the literature in individuals affected with RYR2-related conditions. This variant results in a copy number gain of the genomic region encompassing exon(s) 101 of the RYR2 gene. While the exact position of this variant cannot be determined from the data, sub-genic copy number gains are generally in tandem (PMID: 25640679). This variant is predicted to be out-of-frame, and may result in an absent or disrupted protein product. However, the current clinical and genetic evidence is not sufficient to establish whether loss-of-function variants in RYR2 cause disease.

Literature cited by the submitters: PubMed 25640679.

NC_000001.10:g.(?_237982316)_(237982512_?)dup

Gene: RYR2 (ryanodine receptor 2; plus strand). Cytogenetic location: 1q43.
Variant type: Duplication.
Identifiers: ClinVar variation 3247733 (VCV003247733.1).